The following is an entry in ClinVar:

NM_032634.4(PIGO):c.3154_3155delinsTT (p.Ala1052Phe)

Gene: PIGO (phosphatidylinositol glycan anchor biosynthesis class O; minus strand). Cytogenetic location: 9p13.3.
Variant type: Indel.
Coding change: c.3154_3155delinsTT on transcript NM_032634.4 (MANE Select); coding-DNA positions 3154 to 3155, GC replaced by TT.
Protein change: p.Ala1052Phe; replaces alanine 1052 with phenylalanine.
Molecular consequence: missense variant.
Genome position (GRCh38, 1-based): chr9:35,089,207-35,089,208, GC replaced by AA on the plus strand (GC replaced by TT on the coding strand, the reverse complement: PIGO is on the minus strand). VCF-style: chr9-35089207-GC-AA. GRCh37 (hg19) VCF-style: chr9-35089204-GC-AA.
Other names: c.1903_1904delinsTT, p.Ala635Phe (NM_001201484.2, NM_152850.4); short protein forms A635F, A1052F.
Identifiers: ClinVar variation 1036755 (VCV001036755.7), dbSNP rs1829305473, ClinGen allele CA1845865512.

ClinVar aggregate classification (germline): Uncertain significance (1 of 4 stars; one submission).

Conditions:
Hyperphosphatasia with impaired intellectual development syndrome 2. Also called: Hyperphosphatasia with intellectual disability syndrome 2; GLYCOSYLPHOSPHATIDYLINOSITOL BIOSYNTHESIS DEFECT 6. Identifiers: Orphanet 247262, MedGen C3553637, MONDO:0013882, OMIM 614749.

Submission:

Labcorp Genetics (formerly Invitae), Labcorp
Classification: Uncertain significance for Hyperphosphatasia with impaired intellectual development syndrome 2. Last evaluated: 2020-09-02. Review status: criteria provided, single submitter. Criteria: Invitae Variant Classification Sherloc (09022015). Collection method: clinical testing. Allele origin: germline.
Comment: In summary, the available evidence is currently insufficient to determine the role of this variant in disease. Therefore, it has been classified as a Variant of Uncertain Significance. Algorithms developed to predict the effect of missense changes on protein structure and function are either unavailable or do not agree on the potential impact of this missense change (SIFT: "Not Available"; PolyPhen-2: "Probably Damaging"; Align-GVGD: "Not Available"). This variant has not been reported in the literature in individuals with PIGO-related conditions. The frequency data for this variant in the population databases is not available, as this variant may be reported as separate entries in the ExAC database. This sequence change replaces alanine with phenylalanine at codon 1052 of the PIGO protein (p.Ala1052Phe). The alanine residue is moderately conserved and there is a moderate physicochemical difference between alanine and phenylalanine.